The following is an entry in ClinVar:

NM_007294.4(BRCA1):c.1066delinsGATGGAATAAGG (p.Gln356fs)

Gene: BRCA1 (BRCA1 DNA repair associated; minus strand). Cytogenetic location: 17q21.31.
Variant type: Indel.
Coding change: c.1066delinsGATGGAATAAGG on transcript NM_007294.4 (MANE Select); coding-DNA position 1066, C replaced by GATGGAATAAGG.
Protein change: p.Gln356fs; shifts the reading frame from glutamine 356.
Molecular consequence: frameshift variant. On other transcripts: intron variant (137).
Genome position (GRCh38, 1-based): chr17:43,094,465, G replaced by CCTTATTCCATC on the plus strand (C replaced by GATGGAATAAGG on the coding strand, the reverse complement: BRCA1 is on the minus strand). VCF-style: chr17-43094465-G-CCTTATTCCATC. GRCh37 (hg19) VCF-style: chr17-41246482-G-CCTTATTCCATC.
Other names: c.943delinsGATGGAATAAGG, p.Gln315fs (NM_001407669.1, NM_001407674.1, NM_001407675.1 and 19 more transcripts); c.940delinsGATGGAATAAGG, p.Gln314fs (NM_001407670.1, NM_001407671.1, NM_001407672.1 and 11 more transcripts); c.1066delinsGATGGAATAAGG, p.Gln356fs (NM_001407684.1, NM_001407854.1, NM_001407858.1 and 30 more transcripts); c.925delinsGATGGAATAAGG, p.Gln309fs (NM_001407692.1, NM_001407694.1, NM_001407695.1 and 29 more transcripts); c.922delinsGATGGAATAAGG, p.Gln308fs (NM_001407740.1, NM_001407741.1, NM_001407742.1 and 20 more transcripts); c.853delinsGATGGAATAAGG, p.Gln285fs (NM_001407853.1, NM_001407894.1, NM_001407895.1 and 9 more transcripts); c.1063delinsGATGGAATAAGG, p.Gln355fs (NM_001407860.1, NM_001407861.1, NM_001407587.1 and 22 more transcripts); c.865delinsGATGGAATAAGG, p.Gln289fs (NM_001407862.1); and 40 more; short protein forms Q309fs, Q356fs, Q244fs, Q268fs, Q288fs, Q314fs, Q315fs, Q330fs.
Identifiers: ClinVar variation 1781934 (VCV001781934.2), dbSNP rs2552224279, ClinGen allele CA2580093917.
Genomic context (GRCh38, chr17:43,094,465, plus strand): 5'-TTAGTGTTATCCAAGGAACATCTTCAGTATCTCTAGGATTCTCTGAGCATGGCAGTTTCT[G>CCTTATTCCATC]CTTATTCCATTCTTTTCTCTCACACAGGGGATCAGCATTCAGATCTACCTTTTTTTCTGT-3'

ClinVar aggregate classification (germline): Pathogenic (1 of 4 stars; one submission).

Conditions:
Hereditary cancer-predisposing syndrome. Also called: Neoplastic Syndromes, Hereditary; Tumor predisposition; Hereditary Cancer Syndrome; Hereditary neoplastic syndrome. Identifiers: Orphanet 140162, MedGen C0027672, MeSH D009386, MONDO:0015356.

Submission:

Ambry Genetics
Classification: Pathogenic for Hereditary cancer-predisposing syndrome. Last evaluated: 2017-07-11. Review status: criteria provided, single submitter. Criteria: Ambry Variant Classification Scheme 2023. Collection method: clinical testing. Allele origin: germline.
Comment: The c.1066delCins12 variant, located in coding exon 9 of the BRCA1 gene, results from the deletion of one nucleotide and insertion of 12 nucleotides causing a translational frameshift with a predicted alternate stop codon (p.Q356Dfs*22). This alteration is expected to result in loss of function by premature protein truncation or nonsense-mediated mRNA decay. As such, this alteration is interpreted as a disease-causing mutation.